The following is an entry in ClinVar:

NM_001257180.2(SLC20A2):c.85G>C (p.Val29Leu)

Gene: SLC20A2 (solute carrier family 20 member 2; minus strand). Cytogenetic location: 8p11.21.
Variant type: single nucleotide variant.
Coding change: c.85G>C on transcript NM_001257180.2 (MANE Select); coding-DNA position 85, G replaced by C.
Protein change: p.Val29Leu; replaces valine 29 with leucine.
Molecular consequence: missense variant.
Genome position (GRCh38, 1-based): chr8:42,472,306, C>G on the plus strand (G>C on the coding strand, the complement: SLC20A2 is on the minus strand). VCF-style: chr8-42472306-C-G. GRCh37 (hg19) VCF-style: chr8-42329824-C-G.
Other names: c.85G>C, p.Val29Leu (NM_001257181.2, NM_006749.5); short protein forms V29L.
Identifiers: ClinVar variation 3893344 (VCV003893344.1).

ClinVar aggregate classification (germline): Uncertain significance (1 of 4 stars; one submission).

Submission:

GeneDx
Classification: Uncertain significance. Last evaluated: 2024-10-28. Review status: criteria provided, single submitter. Criteria: GeneDx Variant Classification Process June 2021. Collection method: clinical testing. Allele origin: germline. Affected: yes.
Comment: Not observed at significant frequency in large population cohorts (gnomAD); In silico analysis supports that this missense variant has a deleterious effect on protein structure/function; Has not been previously published as pathogenic or benign to our knowledge